The following is an entry in ClinVar:

NM_004333.6(BRAF):c.2134G>A (p.Ala712Thr)

Gene: BRAF (B-Raf proto-oncogene, serine/threonine kinase; minus strand). Cytogenetic location: 7q34.
Variant type: single nucleotide variant.
Coding change: c.2134G>A on transcript NM_004333.6 (MANE Select); coding-DNA position 2134, G replaced by A.
Protein change: p.Ala712Thr; replaces alanine 712 with threonine.
Molecular consequence: missense variant.
Genome position (GRCh38, 1-based): chr7:140,734,764, C>T on the plus strand (G>A on the coding strand, the complement: BRAF is on the minus strand). VCF-style: chr7-140734764-C-T. GRCh37 (hg19) VCF-style: chr7-140434564-C-T.
Other names: c.2134G>A (NM_004333.4); c.2134G>A, p.Ala712Thr (NM_001354609.2); c.2254G>A, p.Ala752Thr (NM_001374244.1, NM_001374258.1); short protein forms A752T, A712T.
Identifiers: ClinVar variation 802373 (VCV000802373.6), dbSNP rs1481562268, ClinGen allele CA369537392.

ClinVar aggregate classification (germline): Conflicting classifications of pathogenicity. Review status: criteria provided, conflicting classifications (1 of 4 stars). 3 submissions from 3 submitters: Likely pathogenic (1); Uncertain significance (2). Last evaluated 2023-03-24.

Conditions:
Cardiofaciocutaneous syndrome 1 (CFC1). Also called: BRAF-Related Cardiofaciocutaneous Syndrome; MAP2K1-Related Cardiofaciocutaneous Syndrome; KRAS-Related Cardiofaciocutaneous Syndrome; MAP2K2-Related Cardiofaciocutaneous Syndrome. Identifiers: Orphanet 1340, MedGen CN029449, MONDO:0007265, OMIM 115150. Disease mechanism: gain of function.
RASopathy. Also called: rasopathies; Noonan spectrum disorder. Identifiers: Orphanet 536391, MedGen C5555857, MONDO:0021060.

gnomAD v4.1: 5 of 1,293,296 alleles (0.00039%); highest among the groups gnomAD compares: Non-Finnish European, 0.00039%; no homozygotes.

Submissions (3):

GeneDx
Classification: Uncertain significance. Last evaluated: 2023-03-24. Review status: criteria provided, single submitter. Criteria: GeneDx Variant Classification Process June 2021. Collection method: clinical testing. Allele origin: germline. Affected: yes.
Comment: Not observed at significant frequency in large population cohorts (gnomAD); Missense variants in this gene are often considered pathogenic (HGMD); In silico analysis supports that this missense variant does not alter protein structure/function; Has not been previously reported as a pathogenic or benign germline variant to our knowledge; This variant is associated with the following publications: (PMID: 28862766)

Labcorp Genetics (formerly Invitae), Labcorp
Classification: Uncertain significance for RASopathy. Last evaluated: 2022-05-21. Review status: criteria provided, single submitter. Criteria: Invitae Variant Classification Sherloc (09022015). Collection method: clinical testing. Allele origin: germline.
Comment: ClinVar contains an entry for this variant (Variation ID: 802373). This variant has not been reported in the literature in individuals affected with BRAF-related conditions. This variant is not present in population databases (gnomAD no frequency). This sequence change replaces alanine, which is neutral and non-polar, with threonine, which is neutral and polar, at codon 712 of the BRAF protein (p.Ala712Thr). In summary, the available evidence is currently insufficient to determine the role of this variant in disease. Therefore, it has been classified as a Variant of Uncertain Significance. Algorithms developed to predict the effect of missense changes on protein structure and function (SIFT, PolyPhen-2, Align-GVGD) all suggest that this variant is likely to be tolerated.

Mendelics
Classification: Likely pathogenic for Cardiofaciocutaneous syndrome 1. Last evaluated: 2019-05-28. Review status: criteria provided, single submitter. Criteria: Mendelics Assertion Criteria 2017. Collection method: clinical testing. Allele origin: unknown.